The following is an entry in ClinVar:

ClinVar aggregate classification (germline): Benign. Review status: reviewed by expert panel (3 of 4 stars). 23 submissions from 21 submitters: Benign (1). 22 of the submissions do not count toward it. Last evaluated 2025-11-11.

Conditions:
Myosin storage myopathy (CMYO7A). Also called: MYH7-related late-onset scapuloperoneal muscular dystrophy; Congenital myopathy 7A, myosin storage, autosomal dominant; Scapuloperoneal myopathy, MYH7-related; MYOPATHY WITH LYSIS OF TYPE I MYOFIBRILS; SCAPULOPERONEAL MUSCULAR DYSTROPHY; SCAPULOPERONEAL SYNDROME, MYOPATHIC TYPE. Identifiers: Orphanet 437572, Orphanet 636965, MedGen C1842160, MONDO:0008409, OMIM 608358.
Congenital myopathy with fiber type disproportion. Also called: Congenital fiber-type disproportion myopathy; Congenital fiber-type disproportion. Identifiers: Orphanet 2020, MedGen C0546264, MONDO:0009711. Inheritance: all.
MYH7-related skeletal myopathy. Also called: Myopathy, distal, 1; MYOPATHY, DISTAL, EARLY-ONSET, AUTOSOMAL DOMINANT; MYOPATHY, LATE DISTAL HEREDITARY; Laing distal myopathy; Laing early-onset distal myopathy. Identifiers: Orphanet 59135, MedGen C4552004, MONDO:0008050, OMIM 160500.
Dilated cardiomyopathy 1S (CMD1S). Identifiers: Orphanet 154, Orphanet 54260, MedGen C1834481, MONDO:0013262, OMIM 613426.
Myopathy, myosin storage, autosomal recessive (CMYO7B). Also called: CONGENITAL MYOPATHY 7B, MYOSIN STORAGE, AUTOSOMAL RECESSIVE. Identifiers: Orphanet 636970, MedGen C1850709, MONDO:0009708, OMIM 255160.
Hypertrophic cardiomyopathy 1 (CMH1). Also called: Familial hypertrophic cardiomyopathy 1; MYH7-Related Familial Hypertrophic Cardiomyopathy. Identifiers: MedGen C3495498, MONDO:0008647, OMIM 192600.
Cardiovascular phenotype. Identifiers: MedGen CN230736.
Cardiomyopathy (CMYO). Also called: Cardiomyopathies. Identifiers: Orphanet 167848, MedGen C0878544, MONDO:0004994, HP:0001638. Inheritance: Various modes of inheritance.
Hypertrophic cardiomyopathy. Also called: HYPERTROPHIC MYOCARDIOPATHY. Identifiers: Orphanet 217569, MedGen C0007194, MeSH D002312, MONDO:0005045, HP:0001639.

Allele frequency attached by ClinVar (database versions not stated): 1000 Genomes Project 0.00120; gnomAD 0.00213 and 0.00217; 1000 Genomes Project 30x 0.00125; ESP Exome Variant Server 0.00278; TOPMed 0.00187; gnomAD exomes 0.00206 and 0.00363; ExAC 0.00237.
gnomAD v4.1: 5,561 of 1,609,180 alleles (0.35%); highest among the groups gnomAD compares: Non-Finnish European, 0.43%; 27 homozygotes.

Submissions (23):

ClinGen Cardiomyopathy Variant Curation Expert Panel
Classification: Benign for Hypertrophic cardiomyopathy. Last evaluated: 2025-11-11. Review status: reviewed by expert panel. Criteria: ClinGen CMP ACMG Specifications v1. Collection method: curation. Allele origin: germline. Inheritance: Autosomal dominant inheritance.
Comment: The filtering allele frequency of the c.3351G>A (p.Glu1117=) variant in the MYH7 gene is 0.34% (212/55890) of European chromosomes by the Exome Aggregation Consortium, which is a high enough frequency to be classified as benign based on thresholds defined by the ClinGen Inherited Cardiomyopathy Expert Panel (BA1; PMID:29300372).

CeGaT Center for Human Genetics Tuebingen
Classification: Likely benign. Last evaluated: 2026-09-01. Review status: criteria provided, single submitter. Criteria: CeGaT Center For Human Genetics Tuebingen Variant Classification Criteria Version 2. Collection method: clinical testing. Allele origin: germline. Affected: yes. Observed: 29 variant alleles. Not counted in ClinVar's aggregate classification.
Comment: MYH7: BP4, BS2

Labcorp Genetics (formerly Invitae), Labcorp
Classification: Benign for Hypertrophic cardiomyopathy. Last evaluated: 2026-02-03. Review status: criteria provided, single submitter. Criteria: Invitae Variant Classification Sherloc (09022015). Collection method: clinical testing. Allele origin: germline. Not counted in ClinVar's aggregate classification.

Molecular Diagnostic Laboratory for Inherited Cardiovascular Disease, Montreal Heart Institute
Classification: Likely benign. Last evaluated: 2025-04-09. Review status: criteria provided, single submitter. Criteria: ACMG Guidelines, 2015. Collection method: clinical testing. Allele origin: germline. Affected: no. Not counted in ClinVar's aggregate classification.

ARUP Laboratories, Molecular Genetics and Genomics, ARUP Laboratories
Classification: Benign. Last evaluated: 2025-03-05. Review status: criteria provided, single submitter. Criteria: ARUP Molecular Germline Variant Investigation Process 2024. Collection method: clinical testing. Allele origin: germline. Not counted in ClinVar's aggregate classification.

All of Us Research Program, National Institutes of Health
Classification: Benign for Cardiomyopathy. Last evaluated: 2024-02-05. Review status: criteria provided, single submitter. Criteria: ACMG Guidelines, 2015. Collection method: clinical testing. Allele origin: germline. Inheritance: Autosomal dominant inheritance. Observed: 627 variant alleles, 626 heterozygotes, 1 homozygote. Not counted in ClinVar's aggregate classification.
Comment: This study involves interpretation of variants in research participants for the purpose of population health screening. Participant phenotype was not available at the time of variant classification. Additional details can be found in publication PMID: 35346344, PMCID: PMC8962531

Mayo Clinic Laboratories, Mayo Clinic
Classification: Benign. Last evaluated: 2023-12-13. Review status: criteria provided, single submitter. Criteria: ACMG Guidelines, 2015. Collection method: clinical testing. Allele origin: germline. Observed: 12 variant alleles. Not counted in ClinVar's aggregate classification.
Comment: BS1, BS2, BP4, BP7

Fulgent Genetics
Classification: Likely benign for MYH7-related skeletal myopathy; Myosin storage myopathy; Hypertrophic cardiomyopathy 1; Myopathy, myosin storage, autosomal recessive; Congenital myopathy 4A, autosomal dominant; Dilated cardiomyopathy 1S. Last evaluated: 2021-07-26. Review status: criteria provided, single submitter. Criteria: ACMG Guidelines, 2015. Collection method: clinical testing. Allele origin: unknown. Not counted in ClinVar's aggregate classification.

Color Diagnostics, LLC DBA Color Health
Classification: Benign for Cardiomyopathy. Last evaluated: 2018-03-05. Review status: criteria provided, single submitter. Criteria: ACMG Guidelines, 2015. Collection method: clinical testing. Allele origin: germline. Not counted in ClinVar's aggregate classification.

Illumina Laboratory Services, Illumina
Classification: Likely benign for Myosin storage myopathy. Last evaluated: 2018-01-12. Review status: criteria provided, single submitter. Criteria: ICSL Variant Classification Criteria 13 December 2019. Collection method: clinical testing. Allele origin: germline. Not counted in ClinVar's aggregate classification.
Comment: This variant was observed in the ICSL laboratory as part of a predisposition screen in an ostensibly healthy population. It had not been previously curated by ICSL or reported in the Human Gene Mutation Database (HGMD: prior to June 1st, 2018), and was therefore a candidate for classification through an automated scoring system. Utilizing variant allele frequency, disease prevalence and penetrance estimates, and inheritance mode, an automated score was calculated to assess if this variant is too frequent to cause the disease. Based on the score and internal cut-off values, a variant classified as likely benign is not then subjected to further curation. The score for this variant resulted in a classification of likely benign for this disease.

Illumina Laboratory Services, Illumina
Classification: Uncertain significance for Hypertrophic cardiomyopathy 1. Last evaluated: 2018-01-12. Review status: criteria provided, single submitter. Criteria: ICSL Variant Classification Criteria 13 December 2019. Collection method: clinical testing. Allele origin: germline. Not counted in ClinVar's aggregate classification.

Illumina Laboratory Services, Illumina
Classification: Benign for MYH7-related skeletal myopathy. Last evaluated: 2018-01-12. Review status: criteria provided, single submitter. Criteria: ICSL Variant Classification Criteria 13 December 2019. Collection method: clinical testing. Allele origin: germline. Not counted in ClinVar's aggregate classification.
Comment: This variant was observed in the ICSL laboratory as part of a predisposition screen in an ostensibly healthy population. It had not been previously curated by ICSL or reported in the Human Gene Mutation Database (HGMD: prior to June 1st, 2018), and was therefore a candidate for classification through an automated scoring system. Utilizing variant allele frequency, disease prevalence and penetrance estimates, and inheritance mode, an automated score was calculated to assess if this variant is too frequent to cause the disease. Based on the score and internal cut-off values, a variant classified as benign is not then subjected to further curation. The score for this variant resulted in a classification of benign for this disease.

Laboratory for Molecular Medicine, Mass General Brigham Personalized Medicine
Classification: Benign. Last evaluated: 2017-01-19. Review status: criteria provided, single submitter. Criteria: LMM Criteria. Collection method: clinical testing. Allele origin: germline. Observed: 50 variant alleles. Not counted in ClinVar's aggregate classification.
Comment: p.Glu1117Glu in exon 27 of MYH7: This variant is not expected to have clinical s ignificance because it does not alter an amino acid residue and is not located w ithin the splice consensus sequence. It has been identified in 0.4% (212/55890) of European chromosomes by the Exome Aggregation Consortium (ExAC; dbSNP rs45554236).

Ambry Genetics
Classification: Benign for Cardiovascular phenotype. Last evaluated: 2015-11-25. Review status: criteria provided, single submitter. Criteria: Ambry Variant Classification Scheme 2023. Collection method: clinical testing. Allele origin: germline. Not counted in ClinVar's aggregate classification.

Eurofins Ntd Llc (ga)
Classification: Likely benign. Last evaluated: 2015-09-15. Review status: criteria provided, single submitter. Criteria: EGL Classification Definitions 2015. Collection method: clinical testing. Allele origin: germline. Observed: 1 variant allele, 1 heterozygote. Not counted in ClinVar's aggregate classification.

GeneDx
Classification: Benign. Last evaluated: 2015-03-03. Review status: criteria provided, single submitter. Criteria: GeneDx Variant Classification Process June 2021. Collection method: clinical testing. Allele origin: germline. Affected: yes. Not counted in ClinVar's aggregate classification.

PreventionGenetics, part of Exact Sciences
Classification: Benign. Review status: criteria provided, single submitter. Criteria: ACMG Guidelines, 2015. Collection method: clinical testing. Allele origin: germline. Not counted in ClinVar's aggregate classification.

Clinical Genetics DNA and cytogenetics Diagnostics Lab, Erasmus MC, Erasmus Medical Center
Classification: Benign. Review status: no assertion criteria provided. Collection method: clinical testing. Allele origin: germline. Affected: yes. Study: VKGL Data-share Consensus. Not counted in ClinVar's aggregate classification.

Clinical Genetics, Academic Medical Center
Classification: Benign. Review status: no assertion criteria provided. Collection method: clinical testing. Allele origin: germline. Affected: yes. Study: VKGL Data-share Consensus. Not counted in ClinVar's aggregate classification.

Diagnostic Laboratory, Department of Genetics, University Medical Center Groningen
Classification: Likely benign. Review status: no assertion criteria provided. Collection method: clinical testing. Allele origin: germline. Affected: yes. Study: VKGL Data-share Consensus. Not counted in ClinVar's aggregate classification.

Genome Diagnostics Laboratory, University Medical Center Utrecht
Classification: Benign. Review status: no assertion criteria provided. Collection method: clinical testing. Allele origin: germline. Affected: yes. Study: VKGL Data-share Consensus. Not counted in ClinVar's aggregate classification.

Joint Genome Diagnostic Labs from Nijmegen and Maastricht, Radboudumc and MUMC+
Classification: Benign. Review status: no assertion criteria provided. Collection method: clinical testing. Allele origin: germline. Affected: yes. Study: VKGL Data-share Consensus. Not counted in ClinVar's aggregate classification.

Laboratory of Diagnostic Genome Analysis, Leiden University Medical Center (LUMC)
Classification: Likely benign. Review status: no assertion criteria provided. Collection method: clinical testing. Allele origin: germline. Affected: yes. Study: VKGL Data-share Consensus. Not counted in ClinVar's aggregate classification.

Literature cited by the submitters: PubMed 29300372 (cited by ClinGen Cardiomyopathy Variant Curation Expert Panel).

NM_000257.4(MYH7):c.3351G>A (p.Glu1117=)

Gene: MYH7 (myosin heavy chain 7; minus strand). Cytogenetic location: 14q11.2.
Variant type: single nucleotide variant.
Coding change: c.3351G>A on transcript NM_000257.4 (MANE Select); coding-DNA position 3351, G replaced by A.
Protein change: p.Glu1117=; no amino-acid change (glutamic acid 1117 retained).
Molecular consequence: synonymous variant.
Genome position (GRCh38, 1-based): chr14:23,420,220, C>T on the plus strand (G>A on the coding strand, the complement: MYH7 is on the minus strand). VCF-style: chr14-23420220-C-T. GRCh37 (hg19) VCF-style: chr14-23889429-C-T.
Other names: NM_000257.3(MYH7):c.3351G>A.
Identifiers: ClinVar variation 42957 (VCV000042957.85), dbSNP rs45554236, ClinGen allele CA013640.
Genomic context (GRCh38, chr14:23,420,220, plus strand): 5'-TGAGCGCAGCTTCTCCACCTTAGCCCTGGCGGTGCGCTCGGCCTCCAGCTCCTCCTCCAG[C>T]TCCTCGATGCGTGCCTGGTCAGACACAAAGGGCTCAGACCCACCGCCTGGACCCCTCCAC-3'
Protein context (NP_000248.2, residues 1107-1127): KLKELQARIE[Glu1117=]LEEELEAERT